The following is an entry in ClinVar:

NM_001378120.1(MBD5):c.1251G>A (p.Met417Ile)

Gene: MBD5 (methyl-CpG binding domain protein 5; plus strand). Cytogenetic location: 2q23.1.
Variant type: single nucleotide variant.
Coding change: c.1251G>A on transcript NM_001378120.1 (MANE Select); coding-DNA position 1251, G replaced by A.
Protein change: p.Met417Ile; replaces methionine 417 with isoleucine.
Molecular consequence: missense variant.
Genome position (GRCh38, 1-based): chr2:148,469,194, G>A. VCF-style: chr2-148469194-G-A. GRCh37 (hg19) VCF-style: chr2-149226763-G-A.
Other names: c.1251G>A, p.Met417Ile (NM_018328.5); short protein forms M417I.
Identifiers: ClinVar variation 2819447 (VCV002819447.3), dbSNP rs1559086508, ClinGen allele CA348719293.
Genomic context (GRCh38, chr2:148,469,194, plus strand): 5'-TCCTGCTGTTGTTCCTTTGCCAAGTAATCTCCCATTGCCAACTGTAAAACCTGGTCACAT[G>A]AATCATGGGAGTCATGTACAAAGAGTTCAGCATTCAGCTTCAACCTCCCTGTCCCCTTCT-3'
Protein context (NP_001365049.1, residues 407-427): LPLPTVKPGH[Met417Ile]NHGSHVQRVQ

ClinVar aggregate classification (germline): Uncertain significance (1 of 4 stars; one submission).

Conditions:
Intellectual developmental disorder, autosomal dominant 1. Also called: MBD5 Haploinsufficiency; Intellectual disability, autosomal dominant 1. Identifiers: Orphanet 228402, MedGen C1969562, MONDO:0007974, OMIM 156200.

Submission:

Labcorp Genetics (formerly Invitae), Labcorp
Classification: Uncertain significance for Intellectual developmental disorder, autosomal dominant 1. Last evaluated: 2022-12-08. Review status: criteria provided, single submitter. Criteria: Invitae Variant Classification Sherloc (09022015). Collection method: clinical testing. Allele origin: germline.
Comment: In summary, the available evidence is currently insufficient to determine the role of this variant in disease. Therefore, it has been classified as a Variant of Uncertain Significance. This variant disrupts the p.Met417 amino acid residue in MBD5. Other variant(s) that disrupt this residue have been determined to be pathogenic (Invitae). This suggests that this residue is clinically significant, and that variants that disrupt this residue are likely to be disease-causing. Advanced modeling of protein sequence and biophysical properties (such as structural, functional, and spatial information, amino acid conservation, physicochemical variation, residue mobility, and thermodynamic stability) performed at Invitae indicates that this missense variant is not expected to disrupt MBD5 protein function. This variant has not been reported in the literature in individuals affected with MBD5-related conditions. This variant is not present in population databases (gnomAD no frequency). This sequence change replaces methionine, which is neutral and non-polar, with isoleucine, which is neutral and non-polar, at codon 417 of the MBD5 protein (p.Met417Ile).